The following is an entry in ClinVar:

NM_000222.3(KIT):c.1117T>C (p.Tyr373His)

Gene: KIT (KIT proto-oncogene, receptor tyrosine kinase; plus strand). Cytogenetic location: 4q12.
Variant type: single nucleotide variant.
Coding change: c.1117T>C on transcript NM_000222.3 (MANE Select); coding-DNA position 1117, T replaced by C.
Protein change: p.Tyr373His; replaces tyrosine 373 with histidine.
Molecular consequence: missense variant.
Genome position (GRCh38, 1-based): chr4:54,709,425, T>C. VCF-style: chr4-54709425-T-C. GRCh37 (hg19) VCF-style: chr4-55575591-T-C.
Other names: c.1117T>C, p.Tyr373His (NM_001093772.2, NM_001385285.1, NM_001385286.1); c.1120T>C, p.Tyr374His (NM_001385284.1, NM_001385288.1, NM_001385290.1 and 1 more transcripts); short protein forms Y373H, Y374H.
Identifiers: ClinVar variation 1897243 (VCV001897243.8), dbSNP rs1720996900, ClinGen allele CA356901980.

ClinVar aggregate classification (germline): Uncertain significance. Review status: criteria provided, multiple submitters, no conflicts (2 of 4 stars). 3 submissions from 3 submitters: Uncertain significance (3). Last evaluated 2025-11-26.

Conditions:
Hereditary cancer-predisposing syndrome. Also called: Neoplastic Syndromes, Hereditary; Hereditary neoplastic syndrome; Hereditary Cancer Syndrome; Tumor predisposition. Identifiers: Orphanet 140162, MedGen C0027672, MeSH D009386, MONDO:0015356.
Gastrointestinal stromal tumor. Also called: Gastrointestinal stromal tumor, somatic; Gastrointestinal stroma tumor. Identifiers: Orphanet 44890, MedGen C0238198, MeSH D046152, MONDO:0011719, OMIM 606764, HP:0100723.

Allele frequency attached by ClinVar (database versions not stated): gnomAD exomes below 0.00001.
gnomAD v4.1: 1 of 1,593,120 alleles (0.000063%); highest among the groups gnomAD compares: Non-Finnish European, 0.000086%; no homozygotes.

Submissions (3):

Ambry Genetics
Classification: Uncertain significance for Hereditary cancer-predisposing syndrome. Last evaluated: 2025-11-26. Review status: criteria provided, single submitter. Criteria: Ambry Variant Classification Scheme 2023. Collection method: clinical testing. Allele origin: germline.
Comment: The p.Y373H variant (also known as c.1117T>C), located in coding exon 7 of the KIT gene, results from a T to C substitution at nucleotide position 1117. The tyrosine at codon 373 is replaced by histidine, an amino acid with similar properties. This amino acid position is conserved. In addition, this alteration is predicted to be tolerated by in silico analysis. Based on the available evidence, the clinical significance of this variant remains unclear.

Labcorp Genetics (formerly Invitae), Labcorp
Classification: Uncertain significance for Gastrointestinal stromal tumor. Last evaluated: 2024-12-21. Review status: criteria provided, single submitter. Criteria: Invitae Variant Classification Sherloc (09022015). Collection method: clinical testing. Allele origin: germline.
Comment: This sequence change replaces tyrosine, which is neutral and polar, with histidine, which is basic and polar, at codon 373 of the KIT protein (p.Tyr373His). This variant is not present in population databases (gnomAD no frequency). This variant has not been reported in the literature in individuals affected with KIT-related conditions. ClinVar contains an entry for this variant (Variation ID: 1897243). An algorithm developed to predict the effect of missense changes on protein structure and function (PolyPhen-2) suggests that this variant is likely to be disruptive. In summary, the available evidence is currently insufficient to determine the role of this variant in disease. Therefore, it has been classified as a Variant of Uncertain Significance.

Baylor Genetics
Classification: Uncertain significance for Gastrointestinal stromal tumor. Last evaluated: 2023-08-01. Review status: criteria provided, single submitter. Criteria: ACMG Guidelines, 2015. Collection method: clinical testing. Allele origin: unknown.